The following is an entry in ClinVar:

ClinVar aggregate classification (germline): Pathogenic. Review status: criteria provided, single submitter (1 of 4 stars). 3 submissions from 3 submitters: Pathogenic (1). 2 of the submissions do not count toward it. Last evaluated 2022-08-16.

Conditions:
PRPH2-related disorder. Also called: PRPH2-related condition; PRPH2-related disorders. Identifiers: MedGen CN239395.

Submissions (3):

Labcorp Genetics (formerly Invitae), Labcorp
Classification: Pathogenic for PRPH2-related disorder. Last evaluated: 2022-08-16. Review status: criteria provided, single submitter. Criteria: Invitae Variant Classification Sherloc (09022015). Collection method: clinical testing. Allele origin: germline.
Comment: For these reasons, this variant has been classified as Pathogenic. This variant disrupts a region of the PRPH2 protein in which other variant(s) (p.Val332Glu) have been determined to be pathogenic (PMID: 30718709, 32531846). This suggests that this is a clinically significant region of the protein, and that variants that disrupt it are likely to be disease-causing. ClinVar contains an entry for this variant (Variation ID: 98724). This premature translational stop signal has been observed in individual(s) with autosomal dominant pattern dystrophy (PMID: 12045052). This variant is not present in population databases (gnomAD no frequency). This sequence change creates a premature translational stop signal (p.Gln331*) in the PRPH2 gene. While this is not anticipated to result in nonsense mediated decay, it is expected to disrupt the last 16 amino acid(s) of the PRPH2 protein.

Leiden Open Variation Database
Classification: Pathogenic. Last evaluated: 2021-04-06. Review status: no assertion criteria provided. Collection method: curation. Allele origin: germline. Affected: yes. Not counted in ClinVar's aggregate classification.
Comment: Curator: Global Variome, with Curator vacancy. Submitter to LOVD: Manon Peeters. Comment: Variant observed de novo.

Retina International
No classification provided. Review status: no classification provided. Collection method: not provided. Allele origin: not provided. Not counted in ClinVar's aggregate classification.

Literature cited by the submitters: PubMed 30718709 (cited by Labcorp Genetics (formerly Invitae), Labcorp); PubMed 32531846 (cited by Labcorp Genetics (formerly Invitae), Labcorp); PubMed 12045052 (cited by Labcorp Genetics (formerly Invitae), Labcorp and Leiden Open Variation Database).

NM_000322.5(PRPH2):c.991C>T (p.Gln331Ter)

Gene: PRPH2 (peripherin 2; minus strand). Cytogenetic location: 6p21.1.
Variant type: single nucleotide variant.
Coding change: c.991C>T on transcript NM_000322.5 (MANE Select); coding-DNA position 991, C replaced by T.
Protein change: p.Gln331Ter; replaces glutamine 331 with a stop codon.
Molecular consequence: nonsense.
Genome position (GRCh38, 1-based): chr6:42,698,345, G>A on the plus strand (C>T on the coding strand, the complement: PRPH2 is on the minus strand). VCF-style: chr6-42698345-G-A. GRCh37 (hg19) VCF-style: chr6-42666083-G-A.
Other names: short protein forms Q331*.
Identifiers: ClinVar variation 98724 (VCV000098724.7), dbSNP rs281865375, ClinGen allele CA226336.